The following is an entry in ClinVar:

NM_000368.5(TSC1):c.3125G>A (p.Ser1042Asn)

Gene: TSC1 (TSC complex subunit 1; minus strand). Cytogenetic location: 9q34.13.
Variant type: single nucleotide variant.
Coding change: c.3125G>A on transcript NM_000368.5 (MANE Select); coding-DNA position 3125, G replaced by A.
Protein change: p.Ser1042Asn; replaces serine 1042 with asparagine.
Molecular consequence: missense variant.
Genome position (GRCh38, 1-based): chr9:132,896,605, C>T on the plus strand (G>A on the coding strand, the complement: TSC1 is on the minus strand). VCF-style: chr9-132896605-C-T. GRCh37 (hg19) VCF-style: chr9-135771992-C-T.
Other names: c.3122G>A, p.Ser1041Asn (NM_001162426.2); c.2972G>A, p.Ser991Asn (NM_001162427.2); c.2762G>A, p.Ser921Asn (NM_001362177.2); short protein forms S1042N, S1041N, S991N, S921N.
Identifiers: ClinVar variation 237716 (VCV000237716.23), dbSNP rs148931779, ClinGen allele CA10582622.

ClinVar aggregate classification (germline): Conflicting classifications of pathogenicity. Review status: criteria provided, conflicting classifications (1 of 4 stars). 7 submissions from 7 submitters: Uncertain significance (1); Benign (1); Likely benign (5). Last evaluated 2026-09-09.

Conditions:
TSC1-related disorder. Also called: TSC1-related condition.
Hereditary cancer-predisposing syndrome. Also called: Neoplastic Syndromes, Hereditary; Hereditary neoplastic syndrome; Hereditary Cancer Syndrome; Tumor predisposition. Identifiers: Orphanet 140162, MedGen C0027672, MeSH D009386, MONDO:0015356.
Tuberous sclerosis syndrome (TSC). Also called: Tuberous sclerosis; Tuberous Sclerosis Complex. Identifiers: Orphanet 805, MedGen C0041341, MONDO:0001734.
Tuberous sclerosis 1 (TSC1). Identifiers: Orphanet 805, MedGen C1854465, MONDO:0008612, OMIM 191100.

Allele frequency attached by ClinVar (database versions not stated): TOPMed 0.00001.
gnomAD v4.1: 11 of 1,613,426 alleles (0.00068%); highest among the groups gnomAD compares: Admixed American, 0.0083%; no homozygotes.

Submissions (7):

PreventionGenetics, part of Exact Sciences
Classification: Likely benign for TSC1-related condition. Last evaluated: 2026-09-09. Review status: criteria provided, single submitter. Criteria: ACMG Guidelines, 2015. Collection method: clinical testing. Allele origin: germline.
Comment: This variant is classified as likely benign based on ACMG/AMP sequence variant interpretation guidelines (Richards et al. 2015 PMID: 25741868, with internal and published modifications).

Labcorp Genetics (formerly Invitae), Labcorp
Classification: Likely benign for Tuberous sclerosis 1. Last evaluated: 2026-02-03. Review status: criteria provided, single submitter. Criteria: Invitae Variant Classification Sherloc (09022015). Collection method: clinical testing. Allele origin: germline.

Dasa
Classification: Likely benign. Last evaluated: 2025-04-24. Review status: criteria provided, single submitter. Criteria: DASA Assertion Criteria. Collection method: clinical testing. Allele origin: germline.
Comment: NM_000368.5(TSC1):c.3125G>A (p.Ser1042Asn) is a missense variant that results in the substitution of serine with asparagine. The variant context is inconsistent with a known disease-causing mechanism. Computational prediction algorithms are consistent with a benign effect. Therefore, based on the currently available evidence, this variant is classified as likely benign.

Color Diagnostics, LLC DBA Color Health
Classification: Uncertain significance for Tuberous sclerosis syndrome. Last evaluated: 2024-05-15. Review status: criteria provided, single submitter. Criteria: ACMG Guidelines, 2015. Collection method: clinical testing. Allele origin: germline.
Comment: This missense variant replaces serine with asparagine at codon 1042 of the TSC1 protein. Computational prediction suggests that this variant may not impact protein structure and function. To our knowledge, functional studies have not been reported for this variant. This variant has not been reported in individuals affected with TSC1-related disorders in the literature. This variant has been identified in 2/249588 chromosomes in the general population by the Genome Aggregation Database (gnomAD). The available evidence is insufficient to determine the role of this variant in disease conclusively. Therefore, this variant is classified as a Variant of Uncertain Significance.

Ambry Genetics
Classification: Likely benign for Hereditary cancer-predisposing syndrome. Last evaluated: 2023-03-22. Review status: criteria provided, single submitter. Criteria: Ambry Variant Classification Scheme 2023. Collection method: clinical testing. Allele origin: germline.

Genome-Nilou Lab
Classification: Benign for Tuberous sclerosis 1. Last evaluated: 2021-11-07. Review status: criteria provided, single submitter. Criteria: ACMG Guidelines, 2015. Collection method: clinical testing. Allele origin: germline. Affected: no.

GeneDx
Classification: Likely benign. Last evaluated: 2020-12-03. Review status: criteria provided, single submitter. Criteria: GeneDx Variant Classification Process June 2021. Collection method: clinical testing. Allele origin: germline. Affected: yes.
Comment: In silico analysis supports that this missense variant does not alter protein structure/function; This variant is associated with the following publications: (PMID: 28492532)